The following is an entry in ClinVar:

ClinVar aggregate classification (germline): Uncertain significance (1 of 4 stars; one submission).

Conditions:
Cardiovascular phenotype. Identifiers: MedGen CN230736.

Submission:

Ambry Genetics
Classification: Uncertain significance for Cardiovascular phenotype. Last evaluated: 2022-04-19. Review status: criteria provided, single submitter. Criteria: Ambry Variant Classification Scheme 2023. Collection method: clinical testing. Allele origin: germline.
Comment: The p.A144P variant (also known as c.430G>C), located in coding exon 1 of the KCND3 gene, results from a G to C substitution at nucleotide position 430. The alanine at codon 144 is replaced by proline, an amino acid with highly similar properties. This amino acid position is conserved. In addition, this alteration is predicted to be tolerated by in silico analysis. Since supporting evidence is limited at this time, the clinical significance of this alteration remains unclear.

NM_001378969.1(KCND3):c.430G>C (p.Ala144Pro)

Gene: KCND3 (potassium voltage-gated channel subfamily D member 3; minus strand). Cytogenetic location: 1p13.2.
Variant type: single nucleotide variant.
Coding change: c.430G>C on transcript NM_001378969.1 (MANE Select); coding-DNA position 430, G replaced by C.
Protein change: p.Ala144Pro; replaces alanine 144 with proline.
Molecular consequence: missense variant.
Genome position (GRCh38, 1-based): chr1:111,982,297, C>G on the plus strand (G>C on the coding strand, the complement: KCND3 is on the minus strand). VCF-style: chr1-111982297-C-G. GRCh37 (hg19) VCF-style: chr1-112524919-C-G.
Other names: c.430G>C, p.Ala144Pro (NM_001378970.1, NM_004980.5, NM_172198.3); short protein forms A144P.
Identifiers: ClinVar variation 1739624 (VCV001739624.3), dbSNP rs143933558, ClinGen allele CA341822158.